The following is an entry in ClinVar:

ClinVar aggregate classification (germline): Conflicting classifications of pathogenicity. Review status: criteria provided, conflicting classifications (1 of 4 stars). 2 submissions from 2 submitters: Uncertain significance (1); Likely benign (1). Last evaluated 2025-03-13.

Conditions:
Autism spectrum disorder. Also called: Autism spectrum disorders. Identifiers: MedGen C1510586, MeSH D000067877, MONDO:0005258.

gnomAD v4.1: 3 of 1,466,806 alleles (0.0002%); highest among the groups gnomAD compares: Non-Finnish European, 0.00027%; no homozygotes.

Submissions (2):

GeneDx
Classification: Uncertain significance. Last evaluated: 2025-03-13. Review status: criteria provided, single submitter. Criteria: GeneDx Variant Classification Process June 2021. Collection method: clinical testing. Allele origin: germline. Affected: yes.
Comment: Not observed at significant frequency in large population cohorts (gnomAD); In silico analysis indicates that this missense variant does not alter protein structure/function; Has not been previously published as pathogenic or benign to our knowledge

Department of Genetics, Rouen University Hospital, Normandy Center for Genomic and Personalized Medicine
Classification: Likely benign for Autism spectrum disorder. Last evaluated: 2022-07-05. Review status: criteria provided, single submitter. Criteria: ACMG Guidelines, 2015. Collection method: clinical testing. Allele origin: paternal. Affected: yes.

NM_001127222.2(CACNA1A):c.2950C>T (p.Arg984Trp)

Gene: CACNA1A (calcium voltage-gated channel subunit alpha1 A; minus strand). Cytogenetic location: 19p13.13.
Variant type: single nucleotide variant.
Coding change: c.2950C>T on transcript NM_001127222.2 (MANE Select); coding-DNA position 2950, C replaced by T.
Protein change: p.Arg984Trp; replaces arginine 984 with tryptophan.
Molecular consequence: missense variant.
Genome position (GRCh38, 1-based): chr19:13,298,683, G>A on the plus strand (C>T on the coding strand, the complement: CACNA1A is on the minus strand). VCF-style: chr19-13298683-G-A. GRCh37 (hg19) VCF-style: chr19-13409497-G-A.
Other names: c.2962C>T, p.Arg988Trp (NM_000068.4, NM_023035.3); c.2953C>T, p.Arg985Trp (NM_001127221.2, NM_001174080.2); short protein forms R984W, R985W, R988W.
Identifiers: ClinVar variation 2429835 (VCV002429835.3), dbSNP rs768873463, ClinGen allele CA404342380.